The following is an entry in ClinVar:

NM_000075.4(CDK4):c.344A>C (p.Glu115Ala)

Gene: CDK4 (cyclin dependent kinase 4; minus strand). Cytogenetic location: 12q14.1.
Variant type: single nucleotide variant.
Coding change: c.344A>C on transcript NM_000075.4 (MANE Select); coding-DNA position 344, A replaced by C.
Protein change: p.Glu115Ala; replaces glutamic acid 115 with alanine.
Molecular consequence: missense variant.
Genome position (GRCh38, 1-based): chr12:57,751,217, T>G on the plus strand (A>C on the coding strand, the complement: CDK4 is on the minus strand). VCF-style: chr12-57751217-T-G. GRCh37 (hg19) VCF-style: chr12-58145000-T-G.
Other names: short protein forms E115A.
Identifiers: ClinVar variation 846017 (VCV000846017.10), dbSNP rs1955233133, ClinGen allele CA385547515.

ClinVar aggregate classification (germline): Uncertain significance. Review status: criteria provided, multiple submitters, no conflicts (2 of 4 stars). 2 submissions from 2 submitters: Uncertain significance (2). Last evaluated 2024-07-23.

Conditions:
Hereditary cancer-predisposing syndrome. Also called: Tumor predisposition; Hereditary neoplastic syndrome; Neoplastic Syndromes, Hereditary; Hereditary Cancer Syndrome. Identifiers: Orphanet 140162, MedGen C0027672, MeSH D009386, MONDO:0015356.
Familial melanoma. Also called: Hereditary melanoma; Hereditary cutaneous melanoma. Identifiers: Orphanet 618, MedGen C1512419, MONDO:0018961.

Allele frequency attached by ClinVar (database versions not stated): gnomAD exomes below 0.00001.
gnomAD v4.1: 2 of 1,614,176 alleles (0.00012%); highest among the groups gnomAD compares: East Asian, 0.0022%; no homozygotes.

Submissions (2):

Labcorp Genetics (formerly Invitae), Labcorp
Classification: Uncertain significance for Familial melanoma. Last evaluated: 2024-07-23. Review status: criteria provided, single submitter. Criteria: Invitae Variant Classification Sherloc (09022015). Collection method: clinical testing. Allele origin: germline.
Comment: This sequence change replaces glutamic acid, which is acidic and polar, with alanine, which is neutral and non-polar, at codon 115 of the CDK4 protein (p.Glu115Ala). This variant is not present in population databases (gnomAD no frequency). This variant has not been reported in the literature in individuals affected with CDK4-related conditions. ClinVar contains an entry for this variant (Variation ID: 846017). Advanced modeling of protein sequence and biophysical properties (such as structural, functional, and spatial information, amino acid conservation, physicochemical variation, residue mobility, and thermodynamic stability) performed at Invitae indicates that this missense variant is not expected to disrupt CDK4 protein function with a negative predictive value of 95%. In summary, the available evidence is currently insufficient to determine the role of this variant in disease. Therefore, it has been classified as a Variant of Uncertain Significance.

Ambry Genetics
Classification: Uncertain significance for Hereditary cancer-predisposing syndrome. Last evaluated: 2024-05-09. Review status: criteria provided, single submitter. Criteria: Ambry Variant Classification Scheme 2023. Collection method: clinical testing. Allele origin: germline.
Comment: The p.E115A variant (also known as c.344A>C), located in coding exon 2 of the CDK4 gene, results from an A to C substitution at nucleotide position 344. The glutamic acid at codon 115 is replaced by alanine, an amino acid with dissimilar properties. This amino acid position is conserved. In addition, this alteration is predicted to be tolerated by in silico analysis. Based on the available evidence, the clinical significance of this variant remains unclear.